The following is an entry in ClinVar:

NM_001103146.3(GIGYF2):c.73A>G (p.Thr25Ala)

Gene: GIGYF2 (GRB10 interacting GYF protein 2; plus strand). Cytogenetic location: 2q37.1.
Variant type: single nucleotide variant.
Coding change: c.73A>G on transcript NM_001103146.3 (MANE Select); coding-DNA position 73, A replaced by G.
Protein change: p.Thr25Ala; replaces threonine 25 with alanine.
Molecular consequence: missense variant. On other transcripts: non-coding transcript variant (1).
Genome position (GRCh38, 1-based): chr2:232,747,646, A>G. VCF-style: chr2-232747646-A-G. GRCh37 (hg19) VCF-style: chr2-233612356-A-G.
Other names: c.73A>G, p.Thr25Ala (NM_001103147.2, NM_001103148.2, NM_015575.4); short protein forms T25A.
Identifiers: ClinVar variation 3050052 (VCV003050052.3), dbSNP rs115263050, ClinGen allele CA2169759.

ClinVar aggregate classification (germline): Uncertain significance. Review status: criteria provided, single submitter (1 of 4 stars). 2 submissions from 2 submitters: Uncertain significance (1). 1 of the submissions does not count toward it. Last evaluated 2023-10-25.

Conditions:
GIGYF2-related disorder. Also called: GIGYF2-related condition.
Parkinson disease 11, autosomal dominant, susceptibility to. Also called: Parkinson disease 11. Identifiers: Orphanet 411602, MedGen C4083045, MONDO:0011896, OMIM 607688.

Allele frequency attached by ClinVar (database versions not stated): gnomAD exomes 0.00013; TOPMed 0.00013; gnomAD 0.00024; ExAC 0.00047; 1000 Genomes Project 30x 0.00141; 1000 Genomes Project 0.00160.
gnomAD v4.1: 239 of 1,613,684 alleles (0.015%); highest among the groups gnomAD compares: East Asian, 0.49%; no homozygotes.

Submissions (2):

Department of Pathology and Laboratory Medicine, Sinai Health System
Classification: Uncertain significance for Parkinson disease 11, autosomal dominant, susceptibility to. Last evaluated: 2023-10-25. Review status: criteria provided, single submitter. Criteria: ACMG Guidelines, 2015. Collection method: research. Allele origin: germline.

PreventionGenetics, part of Exact Sciences
Classification: Likely benign for GIGYF2-related condition. Last evaluated: 2019-07-10. Review status: no assertion criteria provided. Collection method: clinical testing. Allele origin: germline. Not counted in ClinVar's aggregate classification.
Comment: This variant is classified as likely benign based on ACMG/AMP sequence variant interpretation guidelines (Richards et al. 2015 PMID: 25741868, with internal and published modifications).